The following is an entry in ClinVar:

ClinVar aggregate classification (germline): Uncertain significance. Review status: criteria provided, multiple submitters, no conflicts (2 of 4 stars). 3 submissions from 3 submitters: Uncertain significance (3). Last evaluated 2026-01-19.

Conditions:
Inborn genetic diseases. Identifiers: MedGen C0950123, MeSH D030342.
Rafiq syndrome (RAFQS). Identifiers: Orphanet 88616, MedGen C3280127, MONDO:0013624, OMIM 614202.

Allele frequency attached by ClinVar (database versions not stated): gnomAD exomes 0.00004; TOPMed 0.00005; ExAC 0.00007; gnomAD 0.00007 and 0.00008; 1000 Genomes Project 30x 0.00016; 1000 Genomes Project 0.00020.

Submissions (3):

Labcorp Genetics (formerly Invitae), Labcorp
Classification: Uncertain significance for Rafiq syndrome. Last evaluated: 2026-01-19. Review status: criteria provided, single submitter. Criteria: Invitae Variant Classification Sherloc (09022015). Collection method: clinical testing. Allele origin: germline.
Comment: This sequence change replaces proline, which is neutral and non-polar, with alanine, which is neutral and non-polar, at codon 580 of the MAN1B1 protein (p.Pro580Ala). This variant is present in population databases (rs200860565, gnomAD 0.009%). This variant has not been reported in the literature in individuals affected with MAN1B1-related conditions. ClinVar contains an entry for this variant (Variation ID: 435807). An algorithm developed to predict the effect of missense changes on protein structure and function outputs the following: PolyPhen-2: "Benign". The alanine amino acid residue is found in multiple mammalian species, which suggests that this missense change does not adversely affect protein function. In summary, the available evidence is currently insufficient to determine the role of this variant in disease. Therefore, it has been classified as a Variant of Uncertain Significance.

Ambry Genetics
Classification: Uncertain significance for Inborn genetic diseases. Last evaluated: 2023-12-21. Review status: criteria provided, single submitter. Criteria: Ambry Variant Classification Scheme 2023. Collection method: clinical testing. Allele origin: germline.

Genetic Services Laboratory, University of Chicago
Classification: Uncertain significance. Last evaluated: 2017-01-17. Review status: criteria provided, single submitter. Criteria: ACMG Guidelines, 2015. Collection method: clinical testing. Allele origin: germline. Affected: no.

NM_016219.5(MAN1B1):c.1738C>G (p.Pro580Ala)

Gene: MAN1B1 (mannosidase alpha class 1B member 1; plus strand). Cytogenetic location: 9q34.3.
Variant type: single nucleotide variant.
Coding change: c.1738C>G on transcript NM_016219.5 (MANE Select); coding-DNA position 1738, C replaced by G.
Protein change: p.Pro580Ala; replaces proline 580 with alanine.
Molecular consequence: missense variant. On other transcripts: non-coding transcript variant (2).
Genome position (GRCh38, 1-based): chr9:137,107,421, C>G. VCF-style: chr9-137107421-C-G. GRCh37 (hg19) VCF-style: chr9-140001873-C-G.
Other names: c.1738C>G (NM_016219.3); short protein forms P580A.
Identifiers: ClinVar variation 435807 (VCV000435807.12), dbSNP rs200860565, ClinGen allele CA5359349.